The following is an entry in ClinVar:

NM_005477.3(HCN4):c.238C>T (p.Pro80Ser)

Gene: HCN4 (hyperpolarization activated cyclic nucleotide gated potassium channel 4; minus strand). Cytogenetic location: 15q24.1.
Variant type: single nucleotide variant.
Coding change: c.238C>T on transcript NM_005477.3 (MANE Select); coding-DNA position 238, C replaced by T.
Protein change: p.Pro80Ser; replaces proline 80 with serine.
Molecular consequence: missense variant.
Genome position (GRCh38, 1-based): chr15:73,368,033, G>A on the plus strand (C>T on the coding strand, the complement: HCN4 is on the minus strand). VCF-style: chr15-73368033-G-A. GRCh37 (hg19) VCF-style: chr15-73660374-G-A.
Other names: short protein forms P80S.
Identifiers: ClinVar variation 1790541 (VCV001790541.7), dbSNP rs1595837594, ClinGen allele CA393098626.

ClinVar aggregate classification (germline): Conflicting classifications of pathogenicity. Review status: criteria provided, conflicting classifications (1 of 4 stars). 2 submissions from 2 submitters: Uncertain significance (1); Likely benign (1). Last evaluated 2024-09-13.

Conditions:
Cardiovascular phenotype. Identifiers: MedGen CN230736.
Brugada syndrome 8 (BRGDA8). Identifiers: Orphanet 130, MedGen C2751083, MONDO:0013148, OMIM 613123.

Submissions (2):

Labcorp Genetics (formerly Invitae), Labcorp
Classification: Uncertain significance for Brugada syndrome 8. Last evaluated: 2024-09-13. Review status: criteria provided, single submitter. Criteria: Invitae Variant Classification Sherloc (09022015). Collection method: clinical testing. Allele origin: germline.
Comment: This sequence change replaces proline, which is neutral and non-polar, with serine, which is neutral and polar, at codon 80 of the HCN4 protein (p.Pro80Ser). This variant is not present in population databases (gnomAD no frequency). This variant has not been reported in the literature in individuals affected with HCN4-related conditions. ClinVar contains an entry for this variant (Variation ID: 1790541). Invitae Evidence Modeling of protein sequence and biophysical properties (such as structural, functional, and spatial information, amino acid conservation, physicochemical variation, residue mobility, and thermodynamic stability) indicates that this missense variant is not expected to disrupt HCN4 protein function with a negative predictive value of 95%. In summary, the available evidence is currently insufficient to determine the role of this variant in disease. Therefore, it has been classified as a Variant of Uncertain Significance.

Ambry Genetics
Classification: Likely benign for Cardiovascular phenotype. Last evaluated: 2022-02-20. Review status: criteria provided, single submitter. Criteria: Ambry Variant Classification Scheme 2023. Collection method: clinical testing. Allele origin: germline.